The following is an entry in ClinVar:

NM_001267550.2(TTN):c.32015_32019delinsTG (p.Pro10672_Ala10673delinsLeu)

Gene: TTN (titin; minus strand). Cytogenetic location: 2q31.2.
Variant type: Indel.
Coding change: c.32015_32019delinsTG on transcript NM_001267550.2 (MANE Select); coding-DNA positions 32015 to 32019, CAGCT replaced by TG.
Protein change: p.Pro10672_Ala10673delinsLeu.
Molecular consequence: inframe indel. On other transcripts: intron variant (3).
Genome position (GRCh38, 1-based): chr2:178,689,129-178,689,133, AGCTG replaced by CA on the plus strand (CAGCT replaced by TG on the coding strand, the reverse complement: TTN is on the minus strand). VCF-style: chr2-178689129-AGCTG-CA. GRCh37 (hg19) VCF-style: chr2-179553856-AGCTG-CA.
Other names: c.31064_31068delinsTG, p.Pro10355_Ala10356delinsLeu (NM_001256850.1); c.28283_28287delinsTG, p.Pro9428_Ala9429delinsLeu (NM_133378.4); c.13283-46816_13283-46812delinsTG (NM_003319.4); c.13859-46816_13859-46812delinsTG (NM_133437.4); c.13658-46816_13658-46812delinsTG (NM_133432.3).
Identifiers: ClinVar variation 4685729 (VCV004685729.1).

ClinVar aggregate classification (germline): Uncertain significance (1 of 4 stars; one submission).

Submission:

ARUP Laboratories, Molecular Genetics and Genomics, ARUP Laboratories
Classification: Uncertain significance. Last evaluated: 2025-04-03. Review status: criteria provided, single submitter. Criteria: ARUP Molecular Germline Variant Investigation Process 2024. Collection method: clinical testing. Allele origin: germline.
Comment: The TTN c.32015_32019delinsTG; p.Pro10672_Ala10673delinsLeu variant, to our knowledge, is not reported in the medical literature or gene specific databases. This variant is only observed on one allele in the Genome Aggregation Database (v2.1.1), indicating it is not a common polymorphism. This variant deletes two residues and inserts a leucine leaving the rest of the protein in-frame. Due to limited information, the clinical significance of this variant is uncertain at this time. References: Begay RL et al. Role of Titin Missense Variants in Dilated Cardiomyopathy. J Am Heart Assoc. 2015 Nov 13;4(11). PMID: 26567375. Herman DS et al. Truncations of titin causing dilated cardiomyopathy. N Engl J Med. 2012 Feb 16;366(7):619-28. PMID: 22335739. Linke WA and Hamdani N. Gigantic business: titin properties and function through thick and thin. Circ Res 2014; 114(6): 1052-1068. PMID: 24625729.